The following is an entry in ClinVar:

ClinVar aggregate classification (germline): Conflicting classifications of pathogenicity. Review status: criteria provided, conflicting classifications (1 of 4 stars). 14 submissions from 14 submitters: Uncertain significance (4); Likely benign (6). 4 of the submissions do not count toward it. Last evaluated 2026-08-24.

Conditions:
FLNA-related disorder.
Melnick-Needles syndrome (MNS). Also called: MELNICK-NEEDLES OSTEODYSPLASTY; OSTEODYSPLASTY OF MELNICK AND NEEDLES; Melnick-Needles Syndrome (FLNA-MNS). Identifiers: Orphanet 2484, MedGen C0025237, MONDO:0010650, OMIM 309350.
Heterotopia, periventricular, X-linked dominant (PVNH1). Also called: PERIVENTRICULAR NODULAR HETEROTOPIA 4; HETEROTOPIA, PERIVENTRICULAR, 1; X-linked periventricular heterotopia; PERIVENTRICULAR NODULAR HETEROTOPIA 1. Identifiers: Orphanet 2149, Orphanet 82004, MedGen C1848213, MONDO:0010233, OMIM 300049.
Frontometaphyseal dysplasia (FMD1). Identifiers: Orphanet 1826, MedGen C0265293, MONDO:0015942.
Oto-palato-digital syndrome, type II (OPD2). Also called: FACIOPALATOOSSEOUS SYNDROME; Otopalatodigital Syndrome, Type II; OPD II SYNDROME; Otopalatodigital Syndrome Type 2 (FLNA-OPD2). Identifiers: Orphanet 669, Orphanet 90652, MedGen C1844696, MONDO:0010571, OMIM 304120.
Familial thoracic aortic aneurysm and aortic dissection (TAAD). Also called: Thoracic aortic aneurysms and dissections. Identifiers: Orphanet 91387, MedGen C4707243, MONDO:0019625.

Allele frequency attached by ClinVar (database versions not stated): ExAC 0.00009; gnomAD exomes 0.00009 and 0.00017; TOPMed 0.00016; gnomAD 0.00019 and 0.00023; ESP Exome Variant Server 0.00031.
gnomAD v4.1: 212 of 1,210,709 alleles (0.018%); highest among the groups gnomAD compares: Non-Finnish European, 0.022%; no homozygotes.

Submissions (14):

PreventionGenetics, part of Exact Sciences
Classification: Uncertain significance for FLNA-related condition. Last evaluated: 2026-08-24. Review status: criteria provided, single submitter. Criteria: ACMG Guidelines, 2015. Collection method: clinical testing. Allele origin: germline.
Comment: The FLNA c.6412G>T variant is predicted to result in the amino acid substitution p.Gly2138Cys. To our knowledge, this variant has not been reported in the literature. This variant is reported in 0.021% of alleles in individuals of European (Non-Finnish) descent in gnomAD. Although we suspect that this variant may be benign, at this time, the clinical significance of this variant is uncertain due to the absence of conclusive functional and genetic evidence.

Labcorp Genetics (formerly Invitae), Labcorp
Classification: Likely benign for Oto-palato-digital syndrome, type II; Heterotopia, periventricular, X-linked dominant; Frontometaphyseal dysplasia; Melnick-Needles syndrome. Last evaluated: 2026-01-17. Review status: criteria provided, single submitter. Criteria: Invitae Variant Classification Sherloc (09022015). Collection method: clinical testing. Allele origin: germline.

Mayo Clinic Laboratories, Mayo Clinic
Classification: Likely benign. Last evaluated: 2025-08-26. Review status: criteria provided, single submitter. Criteria: ACMG Guidelines, 2015. Collection method: clinical testing. Allele origin: germline. Observed: 3 variant alleles.
Comment: BS1, PP3_moderate

Women's Health and Genetics/Laboratory Corporation of America, LabCorp
Classification: Likely benign. Last evaluated: 2025-06-13. Review status: criteria provided, single submitter. Criteria: LabCorp Variant Classification Summary - May 2015. Collection method: clinical testing. Allele origin: germline.
Comment: Variant summary: FLNA c.6412G>T (p.Gly2138Cys) results in a non-conservative amino acid change in the encoded protein sequence. Algorithms developed to predict the effect of missense changes on protein structure and function all suggest that this variant is likely to be disruptive. The variant allele was found at a frequency of 9.4e-05 in 181020 control chromosomes, predominantly at a frequency of 0.0002 within the Non-Finnish European subpopulation in the gnomAD database. The observed variant frequency within Non-Finnish European control individuals in the gnomAD database is approximately 640 fold of the estimated maximal expected allele frequency for a pathogenic variant in FLNA causing Periventricular Nodular Heterotopia phenotype (3.1e-07). c.6412G>T has not been observed in individual(s) affected with Periventricular Nodular Heterotopia and to our knowledge, no experimental evidence demonstrating an impact on protein function has been reported. The following publications have been ascertained in the context of this evaluation (PMID: 32085749, 19506109). ClinVar contains an entry for this variant (Variation ID: 197062). Based on the evidence outlined above, the variant was classified as likely benign.

ARUP Laboratories, Molecular Genetics and Genomics, ARUP Laboratories
Classification: Uncertain significance. Last evaluated: 2024-08-14. Review status: criteria provided, single submitter. Criteria: ARUP Molecular Germline Variant Investigation Process 2024. Collection method: clinical testing. Allele origin: germline.
Comment: The FLNA c.6388G>T; p.Gly2130Cys variant (rs200524526), to our knowledge, is not reported in the medical literature but is reported in ClinVar (Variation ID: 197062). This variant is found in the non-Finnish European population with an allele frequency of 0.021% (19/91776) in the Genome Aggregation Database (v2.1.1). Computational analyses predict that this variant is deleterious (REVEL: 0.890). Due to limited information, the clinical significance of this variant is uncertain at this time.

Blueprint Genetics
Classification: Likely benign. Last evaluated: 2023-05-26. Review status: criteria provided, single submitter. Criteria: ACMG Guidelines, 2015. Collection method: clinical testing. Allele origin: germline.

GeneDx
Classification: Likely benign. Last evaluated: 2020-11-04. Review status: criteria provided, single submitter. Criteria: GeneDx Variant Classification Process June 2021. Collection method: clinical testing. Allele origin: germline. Affected: yes.

Ambry Genetics
Classification: Likely benign for Familial thoracic aortic aneurysm and aortic dissection. Last evaluated: 2019-09-16. Review status: criteria provided, single submitter. Criteria: Ambry Variant Classification Scheme 2023. Collection method: clinical testing. Allele origin: germline.

CeGaT Center for Human Genetics Tuebingen
Classification: Uncertain significance. Last evaluated: 2019-07-01. Review status: criteria provided, single submitter. Criteria: CeGaT Center For Human Genetics Tuebingen Variant Classification Criteria Version 2. Collection method: clinical testing. Allele origin: germline. Affected: yes. Observed: 2 variant alleles.

Eurofins Ntd Llc (ga)
Classification: Uncertain significance. Last evaluated: 2016-07-21. Review status: criteria provided, single submitter. Criteria: EGL Classification Definitions 2015. Collection method: clinical testing. Allele origin: germline. Observed: 2 variant alleles, 1 heterozygote, 1 hemizygote.

Diagnostic Laboratory, Department of Genetics, University Medical Center Groningen
Classification: Likely benign. Review status: no assertion criteria provided. Collection method: clinical testing. Allele origin: germline. Affected: yes. Study: VKGL Data-share Consensus. Not counted in ClinVar's aggregate classification.

Genome Diagnostics Laboratory, Amsterdam University Medical Center
Classification: Likely benign. Review status: no assertion criteria provided. Collection method: clinical testing. Allele origin: germline. Affected: yes. Study: VKGL Data-share Consensus. Not counted in ClinVar's aggregate classification.

Genome Diagnostics Laboratory, University Medical Center Utrecht
Classification: Likely benign. Review status: no assertion criteria provided. Collection method: clinical testing. Allele origin: germline. Affected: yes. Study: VKGL Data-share Consensus. Not counted in ClinVar's aggregate classification.

Laboratory of Diagnostic Genome Analysis, Leiden University Medical Center (LUMC)
Classification: Likely benign. Review status: no assertion criteria provided. Collection method: clinical testing. Allele origin: germline. Affected: yes. Study: VKGL Data-share Consensus. Not counted in ClinVar's aggregate classification.

Literature cited by the submitters: PubMed 19506109 (cited by Women's Health and Genetics/Laboratory Corporation of America, LabCorp); PubMed 32085749 (cited by Women's Health and Genetics/Laboratory Corporation of America, LabCorp).

NM_001110556.2(FLNA):c.6412G>T (p.Gly2138Cys)

Gene: FLNA (filamin A; minus strand). Cytogenetic location: Xq28.
Variant type: single nucleotide variant.
Coding change: c.6412G>T on transcript NM_001110556.2 (MANE Select); coding-DNA position 6412, G replaced by T.
Protein change: p.Gly2138Cys; replaces glycine 2138 with cysteine.
Molecular consequence: missense variant.
Genome position (GRCh38, 1-based): chrX:154,352,643, C>A on the plus strand (G>T on the coding strand, the complement: FLNA is on the minus strand). VCF-style: chrX-154352643-C-A. GRCh37 (hg19) VCF-style: chrX-153581011-C-A.
Other names: p.G2130C:GGC>TGC; p.Gly2130Cys; c.6388G>T, p.Gly2130Cys (NM_001456.4); c.6412G>T (NM_001110556.1); short protein forms G2138C, G2130C.
Identifiers: ClinVar variation 197062 (VCV000197062.72), dbSNP rs200524526, ClinGen allele CA244988.